The following is an entry in ClinVar:

NM_005045.4(RELN):c.5839G>T (p.Asp1947Tyr)

Gene: RELN (reelin; minus strand). Cytogenetic location: 7q22.1.
Variant type: single nucleotide variant.
Coding change: c.5839G>T on transcript NM_005045.4 (MANE Select); coding-DNA position 5839, G replaced by T.
Protein change: p.Asp1947Tyr; replaces aspartic acid 1947 with tyrosine.
Molecular consequence: missense variant.
Genome position (GRCh38, 1-based): chr7:103,553,790, C>A on the plus strand (G>T on the coding strand, the complement: RELN is on the minus strand). VCF-style: chr7-103553790-C-A. GRCh37 (hg19) VCF-style: chr7-103194237-C-A.
Other names: c.5839G>T, p.Asp1947Tyr (NM_173054.3); short protein forms D1947Y.
Identifiers: ClinVar variation 1998243 (VCV001998243.4), dbSNP rs932384386, ClinGen allele CA368740259.
Genomic context (GRCh38, chr7:103,553,790, plus strand): 5'-CTCTGGGCCCAAAATCAAATGTATCCAAGAGCATCACAGGGTTGTTTACATTATTTCCAT[C>A]GATAATGAAGTCATCAACAATCCAGATTTCTTCTTTCTTACCTAAGGCATTTTTGGATAA-3'
Protein context (NP_005036.2, residues 1937-1957): EIWIVDDFII[Asp1947Tyr]GNNVNNPVML

ClinVar aggregate classification (germline): Uncertain significance (1 of 4 stars; one submission).

Conditions:
Norman-Roberts syndrome (LIS2). Also called: Lissencephaly 2 (Norman-Roberts type). Identifiers: Orphanet 89844, MedGen C0796089, MONDO:0009760, OMIM 257320.
Familial temporal lobe epilepsy 7. Identifiers: Orphanet 101046, MedGen C4225327, MONDO:0014639, OMIM 616436.

Allele frequency attached by ClinVar (database versions not stated): TOPMed below 0.00001; gnomAD 0.00001.
gnomAD v4.1: 1 of 1,613,790 alleles (0.000062%); highest among the groups gnomAD compares: African/African-American, 0.0013%; no homozygotes.

Submission:

Labcorp Genetics (formerly Invitae), Labcorp
Classification: Uncertain significance for Familial temporal lobe epilepsy 7; Norman-Roberts syndrome. Last evaluated: 2022-10-13. Review status: criteria provided, single submitter. Criteria: Invitae Variant Classification Sherloc (09022015). Collection method: clinical testing. Allele origin: germline.
Comment: This sequence change replaces aspartic acid, which is acidic and polar, with tyrosine, which is neutral and polar, at codon 1947 of the RELN protein (p.Asp1947Tyr). This variant is not present in population databases (gnomAD no frequency). In summary, the available evidence is currently insufficient to determine the role of this variant in disease. Therefore, it has been classified as a Variant of Uncertain Significance. Advanced modeling of protein sequence and biophysical properties (such as structural, functional, and spatial information, amino acid conservation, physicochemical variation, residue mobility, and thermodynamic stability) performed at Invitae indicates that this missense variant is not expected to disrupt RELN protein function. This variant has not been reported in the literature in individuals affected with RELN-related conditions.